The following is an entry in ClinVar:

NM_001367624.2(ZNF469):c.3362G>A (p.Arg1121Lys)

Gene: ZNF469 (zinc finger protein 469; plus strand). Cytogenetic location: 16q24.2.
Variant type: single nucleotide variant.
Coding change: c.3362G>A on transcript NM_001367624.2 (MANE Select); coding-DNA position 3362, G replaced by A.
Protein change: p.Arg1121Lys; replaces arginine 1121 with lysine.
Molecular consequence: missense variant.
Genome position (GRCh38, 1-based): chr16:88,430,832, G>A. VCF-style: chr16-88430832-G-A. GRCh37 (hg19) VCF-style: chr16-88497240-G-A.
Other names: NM_001127464.1:c.3278G>A; short protein forms R1121K.
Identifiers: ClinVar variation 1729682 (VCV001729682.2), dbSNP rs1906114994, ClinGen allele CA397080389.

ClinVar aggregate classification (germline): Uncertain significance (1 of 4 stars; one submission).

Conditions:
Cardiovascular phenotype. Identifiers: MedGen CN230736.

gnomAD v4.1: 1 of 1,535,056 alleles (0.000065%); highest among the groups gnomAD compares: Non-Finnish European, 0.000087%; no homozygotes.

Submission:

Ambry Genetics
Classification: Uncertain significance for Cardiovascular phenotype. Last evaluated: 2022-10-30. Review status: criteria provided, single submitter. Criteria: Ambry Variant Classification Scheme 2023. Collection method: clinical testing. Allele origin: germline.
Comment: The p.R1093K variant (also known as c.3278G>A), located in coding exon 2 of the ZNF469 gene, results from a G to A substitution at nucleotide position 3278. The arginine at codon 1093 is replaced by lysine, an amino acid with highly similar properties. This amino acid position is conserved. In addition, this alteration is predicted to be tolerated by in silico analysis. Since supporting evidence is limited at this time, the clinical significance of this alteration remains unclear.